The following is an entry in ClinVar:

NM_020964.3(EPG5):c.3917C>T (p.Pro1306Leu)

Gene: EPG5 (ectopic P-granules 5 autophagy tethering factor; minus strand). Cytogenetic location: 18q21.1.
Variant type: single nucleotide variant.
Coding change: c.3917C>T on transcript NM_020964.3 (MANE Select); coding-DNA position 3917, C replaced by T.
Protein change: p.Pro1306Leu; replaces proline 1306 with leucine.
Molecular consequence: missense variant.
Genome position (GRCh38, 1-based): chr18:45,912,356, G>A on the plus strand (C>T on the coding strand, the complement: EPG5 is on the minus strand). VCF-style: chr18-45912356-G-A. GRCh37 (hg19) VCF-style: chr18-43492321-G-A.
Other names: c.3917C>T, p.Pro1306Leu (NM_001410858.1, NM_001410859.1); short protein forms P1306L.
Identifiers: ClinVar variation 2648700 (VCV002648700.24), dbSNP rs534935599, ClinGen allele CA299761782.

ClinVar aggregate classification (germline): Uncertain significance (1 of 4 stars; one submission).

Allele frequency attached by ClinVar (database versions not stated): 1000 Genomes Project 30x 0.00016; 1000 Genomes Project 0.00020.
gnomAD v4.1: 1 of 1,611,660 alleles (0.000062%); highest among the groups gnomAD compares: Admixed American, 0.0017%; no homozygotes.

Submission:

CeGaT Center for Human Genetics Tuebingen
Classification: Uncertain significance. Last evaluated: 2025-09-01. Review status: criteria provided, single submitter. Criteria: CeGaT Center For Human Genetics Tuebingen Variant Classification Criteria Version 2. Collection method: clinical testing. Allele origin: germline. Affected: yes. Observed: 1 variant allele.
Comment: EPG5: PM2, PP3